The following is an entry in ClinVar:

ClinVar aggregate classification (germline): Uncertain significance. Review status: criteria provided, multiple submitters, no conflicts (2 of 4 stars). 2 submissions from 2 submitters: Uncertain significance (2). Last evaluated 2025-06-18.

Conditions:
Inborn genetic diseases. Identifiers: MedGen C0950123, MeSH D030342.

Allele frequency attached by ClinVar (database versions not stated): ExAC 0.00001; gnomAD exomes 0.00001.
gnomAD v4.1: 15 of 1,614,136 alleles (0.00093%); highest among the groups gnomAD compares: Non-Finnish European, 0.0012%; no homozygotes.

Submissions (2):

Ambry Genetics
Classification: Uncertain significance for Inborn genetic diseases. Last evaluated: 2025-06-18. Review status: criteria provided, single submitter. Criteria: Ambry Variant Classification Scheme 2023. Collection method: clinical testing. Allele origin: germline.

Labcorp Genetics (formerly Invitae), Labcorp
Classification: Uncertain significance. Last evaluated: 2024-01-25. Review status: criteria provided, single submitter. Criteria: Invitae Variant Classification Sherloc (09022015). Collection method: clinical testing. Allele origin: germline.
Comment: This sequence change replaces leucine, which is neutral and non-polar, with phenylalanine, which is neutral and non-polar, at codon 858 of the CAD protein (p.Leu858Phe). This variant is present in population databases (rs757992946, gnomAD 0.004%). This variant has not been reported in the literature in individuals affected with CAD-related conditions. Advanced modeling of protein sequence and biophysical properties (such as structural, functional, and spatial information, amino acid conservation, physicochemical variation, residue mobility, and thermodynamic stability) performed at Invitae indicates that this missense variant is not expected to disrupt CAD protein function with a negative predictive value of 80%. In summary, the available evidence is currently insufficient to determine the role of this variant in disease. Therefore, it has been classified as a Variant of Uncertain Significance.

NM_004341.5(CAD):c.2574G>C (p.Leu858Phe)

Genes: CAD (carbamoyl-phosphate synthetase 2, aspartate transcarbamylase, and dihydroorotase; plus strand), LOC126806171 (BRD4-independent group 4 enhancer GRCh37_chr2:27454350-27455549; plus strand). Cytogenetic location: 2p23.3.
Variant type: single nucleotide variant.
Coding change: c.2574G>C on transcript NM_004341.5 (MANE Select); coding-DNA position 2574, G replaced by C.
Protein change: p.Leu858Phe; replaces leucine 858 with phenylalanine.
Molecular consequence: missense variant.
Genome position (GRCh38, 1-based): chr2:27,232,153, G>C. VCF-style: chr2-27232153-G-C. GRCh37 (hg19) VCF-style: chr2-27455021-G-C.
Other names: c.2385G>C, p.Leu795Phe (NM_001306079.2); c.2574G>C (NM_004341.3); short protein forms L795F, L858F.
Identifiers: ClinVar variation 2858498 (VCV002858498.4), dbSNP rs757992946, ClinGen allele CA1573047.